The following is an entry in ClinVar:

ClinVar aggregate classification (germline): Uncertain significance. Review status: criteria provided, single submitter (1 of 4 stars). 3 submissions from 3 submitters: Uncertain significance (1). 2 of the submissions do not count toward it. Last evaluated 2026-07-01.

Conditions:
Inborn genetic diseases. Identifiers: MedGen C0950123, MeSH D030342.
Methylmalonic acidemia with homocystinuria, type cblX (MAHCX). Also called: INTELLECTUAL DEVELOPMENTAL DISORDER, X-LINKED 3. Identifiers: Orphanet 369962, MedGen C0796208, MONDO:0010657, OMIM 309541.

Submissions (3):

Ambry Genetics
Classification: Uncertain significance for Inborn genetic diseases. Last evaluated: 2026-07-01. Review status: criteria provided, single submitter. Criteria: Ambry Variant Classification Scheme 2023. Collection method: clinical testing. Allele origin: germline.
Comment: The c.674G>A (p.S225N) alteration is located in exon 4 (coding exon 4) of the HCFC1 gene. This alteration results from a G to A substitution at nucleotide position 674, causing the serine (S) at amino acid position 225 to be replaced by an asparagine (N). This variant was not reported in population-based cohorts in the Genome Aggregation Database (gnomAD). This variant segregated with disease in at least one family with features consistent with HCFC1-related neurodevelopmental disorder (Huang, 2012). This amino acid position is highly conserved in available vertebrate species. This missense variant is located in a region that has a low rate of benign missense variation (Lek, 2016; Firth, 2009). This alteration is predicted to be tolerated by in silico analysis. Based on insufficient or conflicting evidence, the clinical significance of this alteration remains unclear.

OMIM
Classification: Pathogenic for INTELLECTUAL DEVELOPMENTAL DISORDER, X-LINKED 3. Last evaluated: 2012-10-05. Review status: no assertion criteria provided. Collection method: literature only. Allele origin: germline. Not counted in ClinVar's aggregate classification.

UniProtKB/Swiss-Prot
No classification provided. Review status: no classification provided. Collection method: not provided. Allele origin: not provided. Not counted in ClinVar's aggregate classification.

Literature cited by the submitters: PubMed 23000143 (cited by Ambry Genetics and OMIM).

NM_005334.3(HCFC1):c.674G>A (p.Ser225Asn)

Gene: HCFC1 (host cell factor C1; minus strand). Cytogenetic location: Xq28.
Variant type: single nucleotide variant.
Coding change: c.674G>A on transcript NM_005334.3 (MANE Select); coding-DNA position 674, G replaced by A.
Protein change: p.Ser225Asn; replaces serine 225 with asparagine.
Molecular consequence: missense variant.
Genome position (GRCh38, 1-based): chrX:153,963,263, C>T on the plus strand (G>A on the coding strand, the complement: HCFC1 is on the minus strand). VCF-style: chrX-153963263-C-T. GRCh37 (hg19) VCF-style: chrX-153228714-C-T.
Other names: short protein forms S225N.
Identifiers: ClinVar variation 39695 (VCV000039695.5), dbSNP rs318240758, ClinGen allele CA130460.